The following is an entry in ClinVar:

NM_002206.3(ITGA7):c.1387G>A (p.Ala463Thr)

Gene: ITGA7 (integrin subunit alpha 7; minus strand). Cytogenetic location: 12q13.2.
Variant type: single nucleotide variant.
Coding change: c.1387G>A on transcript NM_002206.3 (MANE Select); coding-DNA position 1387, G replaced by A.
Protein change: p.Ala463Thr; replaces alanine 463 with threonine.
Molecular consequence: missense variant.
Genome position (GRCh38, 1-based): chr12:55,697,717, C>T on the plus strand (G>A on the coding strand, the complement: ITGA7 is on the minus strand). VCF-style: chr12-55697717-C-T. GRCh37 (hg19) VCF-style: chr12-56091501-C-T.
Other names: c.1399G>A, p.Ala467Thr (NM_001144996.2, NM_001414029.1); c.1108G>A, p.Ala370Thr (NM_001144997.2); c.1060G>A, p.Ala354Thr (NM_001367993.1); c.43G>A, p.Ala15Thr (NM_001367994.1); c.1387G>A, p.Ala463Thr (NM_001374465.1, NM_001414034.1); c.1519G>A, p.Ala507Thr (NM_001410977.1); c.1312G>A, p.Ala438Thr (NM_001414030.1); c.1300G>A, p.Ala434Thr (NM_001414031.1); and 3 more; short protein forms A370T, A463T, A467T, A15T, A354T, A507T, A423T, A434T.
Identifiers: ClinVar variation 538002 (VCV000538002.4), dbSNP rs150443803, ClinGen allele CA6615981.

ClinVar aggregate classification (germline): Uncertain significance. Review status: criteria provided, multiple submitters, no conflicts (2 of 4 stars). 2 submissions from 2 submitters: Uncertain significance (2). Last evaluated 2024-03-04.

Conditions:
Congenital muscular dystrophy due to integrin alpha-7 deficiency. Also called: MYOPATHY, CONGENITAL, DUE TO INTEGRIN ALPHA-7 DEFICIENCY; Congenital muscular dystrophy with integrin alpha-7 deficiency; Muscular dystrophy, congenital, due to ITGA7 deficiency. Identifiers: Orphanet 34520, MedGen C2750786, MONDO:0013177, OMIM 613204.

Allele frequency attached by ClinVar (database versions not stated): gnomAD 0.00003 and 0.00002; gnomAD exomes 0.00003 and 0.00006; TOPMed 0.00003; ExAC 0.00007; 1000 Genomes Project 30x 0.00016; 1000 Genomes Project 0.00020.
gnomAD v4.1: 48 of 1,614,154 alleles (0.003%); highest among the groups gnomAD compares: Middle Eastern, 0.016%; no homozygotes.

Submissions (2):

Ambry Genetics
Classification: Uncertain significance. Last evaluated: 2024-03-04. Review status: criteria provided, single submitter. Criteria: Ambry Variant Classification Scheme 2023. Collection method: clinical testing. Allele origin: germline.

Labcorp Genetics (formerly Invitae), Labcorp
Classification: Uncertain significance for Congenital muscular dystrophy due to integrin alpha-7 deficiency. Last evaluated: 2022-08-09. Review status: criteria provided, single submitter. Criteria: Invitae Variant Classification Sherloc (09022015). Collection method: clinical testing. Allele origin: germline.
Comment: This sequence change replaces alanine, which is neutral and non-polar, with threonine, which is neutral and polar, at codon 463 of the ITGA7 protein (p.Ala463Thr). This variant is present in population databases (rs150443803, gnomAD 0.01%). This variant has not been reported in the literature in individuals affected with ITGA7-related conditions. ClinVar contains an entry for this variant (Variation ID: 538002). Algorithms developed to predict the effect of missense changes on protein structure and function output the following: SIFT: "Tolerated"; PolyPhen-2: "Benign"; Align-GVGD: "Class C0". The threonine amino acid residue is found in multiple mammalian species, which suggests that this missense change does not adversely affect protein function. In summary, the available evidence is currently insufficient to determine the role of this variant in disease. Therefore, it has been classified as a Variant of Uncertain Significance.